The following is an entry in ClinVar:

ClinVar aggregate classification (germline): Uncertain significance (1 of 4 stars; one submission).

Allele frequency attached by ClinVar (database versions not stated): gnomAD 0.00001; TOPMed 0.00001.
gnomAD v4.1: 1 of 1,613,848 alleles (0.000062%); highest among the groups gnomAD compares: African/African-American, 0.0013%; no homozygotes.

Submission:

Labcorp Genetics (formerly Invitae), Labcorp
Classification: Uncertain significance. Last evaluated: 2021-08-14. Review status: criteria provided, single submitter. Criteria: Invitae Variant Classification Sherloc (09022015). Collection method: clinical testing. Allele origin: germline.
Comment: In summary, the available evidence is currently insufficient to determine the role of this variant in disease. Therefore, it has been classified as a Variant of Uncertain Significance. Algorithms developed to predict the effect of missense changes on protein structure and function are either unavailable or do not agree on the potential impact of this missense change (SIFT: "Deleterious"; PolyPhen-2: "Possibly Damaging"; Align-GVGD: "Class C0"). This variant has not been reported in the literature in individuals affected with SBF1-related conditions. This variant is not present in population databases (ExAC no frequency). This sequence change replaces glutamic acid with lysine at codon 444 of the SBF1 protein (p.Glu444Lys). The glutamic acid residue is highly conserved and there is a small physicochemical difference between glutamic acid and lysine.

NM_002972.4(SBF1):c.1330G>A (p.Glu444Lys)

Gene: SBF1 (SET binding factor 1; minus strand). Cytogenetic location: 22q13.33.
Variant type: single nucleotide variant.
Coding change: c.1330G>A on transcript NM_002972.4 (MANE Select); coding-DNA position 1330, G replaced by A.
Protein change: p.Glu444Lys; replaces glutamic acid 444 with lysine.
Molecular consequence: missense variant.
Genome position (GRCh38, 1-based): chr22:50,465,003, C>T on the plus strand (G>A on the coding strand, the complement: SBF1 is on the minus strand). VCF-style: chr22-50465003-C-T. GRCh37 (hg19) VCF-style: chr22-50903432-C-T.
Other names: c.1333G>A, p.Glu445Lys (NM_001365819.1); short protein forms E444K, E445K.
Identifiers: ClinVar variation 1512661 (VCV001512661.6), dbSNP rs1055574309, ClinGen allele CA325534571.